The following is an entry in ClinVar:

NM_000322.5(PRPH2):c.582-2A>G

Gene: PRPH2 (peripherin 2; minus strand). Cytogenetic location: 6p21.1.
Variant type: single nucleotide variant.
Coding change: c.582-2A>G on transcript NM_000322.5 (MANE Select); the canonical splice acceptor site of the intron before coding-DNA position 582, A replaced by G.
Molecular consequence: splice acceptor variant.
Genome position (GRCh38, 1-based): chr6:42,704,613, T>C on the plus strand (A>G on the coding strand, the complement: PRPH2 is on the minus strand). VCF-style: chr6-42704613-T-C. GRCh37 (hg19) VCF-style: chr6-42672351-T-C.
Identifiers: ClinVar variation 2768774 (VCV002768774.3), dbSNP rs2152005417, ClinGen allele CA364135902.

ClinVar aggregate classification (germline): Pathogenic (1 of 4 stars; one submission).

Conditions:
PRPH2-related disorder. Also called: PRPH2-related condition; PRPH2-related disorders. Identifiers: MedGen CN239395.

Submission:

Labcorp Genetics (formerly Invitae), Labcorp
Classification: Pathogenic for PRPH2-related disorder. Last evaluated: 2023-10-15. Review status: criteria provided, single submitter. Criteria: Invitae Variant Classification Sherloc (09022015). Collection method: clinical testing. Allele origin: germline.
Comment: This sequence change affects an acceptor splice site in intron 1 of the PRPH2 gene. It is expected to disrupt RNA splicing. Variants that disrupt the donor or acceptor splice site typically lead to a loss of protein function (PMID: 16199547), and loss-of-function variants in PRPH2 are known to be pathogenic (PMID: 8111389, 8485575, 8485576, 8675410, 16916875, 17504850, 22863181, 25675413, 26061163, 27365499, 29555955, 33546218). This variant is not present in population databases (gnomAD no frequency). Disruption of this splice site has been observed in individuals with autosomal dominant retinal disease (PMID: 25698705, 26024099). Algorithms developed to predict the effect of sequence changes on RNA splicing suggest that this variant may disrupt the consensus splice site. For these reasons, this variant has been classified as Pathogenic.

Literature cited by the submitters: PubMed 16199547; PubMed 8111389; PubMed 8485575; PubMed 8485576; PubMed 8675410; PubMed 16916875; PubMed 17504850; PubMed 22863181; PubMed 25675413; PubMed 26061163; PubMed 27365499; PubMed 29555955; PubMed 33546218; PubMed 25698705; PubMed 26024099.